The following is an entry in ClinVar:

ClinVar aggregate classification (germline): Likely benign. Review status: criteria provided, multiple submitters, no conflicts (2 of 4 stars). 6 submissions from 6 submitters: Likely benign (6). Last evaluated 2026-04-01.

Conditions:
Idiopathic Pulmonary Fibrosis. Also called: Idiopathic fibrosing alveolitis, chronic form; idiopathic fibrosing alveolitis. Identifiers: Orphanet 2032, MedGen C1800706, MeSH D054990, MONDO:0800504.
Dyskeratosis congenita, autosomal dominant 2. Identifiers: MedGen C3151443, MONDO:0013521, OMIM 613989.
Dyskeratosis congenita. Identifiers: Orphanet 1775, MedGen C0265965, MONDO:0015780.

Allele frequency attached by ClinVar (database versions not stated): gnomAD exomes 0.00010 and 0.00016; ESP Exome Variant Server 0.00024; 1000 Genomes Project 30x 0.00031; gnomAD 0.00038 and 0.00039; TOPMed 0.00040; ExAC 0.00007.
gnomAD v4.1: 198 of 1,549,818 alleles (0.013%); highest among the groups gnomAD compares: Admixed American, 0.17%; 2 homozygotes.

Submissions (6):

CeGaT Center for Human Genetics Tuebingen
Classification: Likely benign. Last evaluated: 2026-04-01. Review status: criteria provided, single submitter. Criteria: CeGaT Center For Human Genetics Tuebingen Variant Classification Criteria Version 2. Collection method: clinical testing. Allele origin: germline. Affected: yes. Observed: 2 variant alleles.
Comment: TERT: BP4, BP7

Labcorp Genetics (formerly Invitae), Labcorp
Classification: Likely benign for Dyskeratosis congenita, autosomal dominant 2; Idiopathic Pulmonary Fibrosis. Last evaluated: 2026-01-21. Review status: criteria provided, single submitter. Criteria: Invitae Variant Classification Sherloc (09022015). Collection method: clinical testing. Allele origin: germline.

ARUP Laboratories, Molecular Genetics and Genomics, ARUP Laboratories
Classification: Likely benign. Last evaluated: 2025-02-26. Review status: criteria provided, single submitter. Criteria: ARUP Molecular Germline Variant Investigation Process 2024. Collection method: clinical testing. Allele origin: germline.

Ambry Genetics
Classification: Likely benign for Dyskeratosis congenita. Last evaluated: 2022-02-23. Review status: criteria provided, single submitter. Criteria: Ambry Variant Classification Scheme 2023. Collection method: clinical testing. Allele origin: germline.

Sema4
Classification: Likely benign for Dyskeratosis congenita. Last evaluated: 2021-01-13. Review status: criteria provided, single submitter. Criteria: Sema4 Curation Guidelines. Collection method: curation. Allele origin: germline.

Genetic Services Laboratory, University of Chicago
Classification: Likely benign. Last evaluated: 2019-06-11. Review status: criteria provided, single submitter. Criteria: ACMG Guidelines, 2015. Collection method: clinical testing. Allele origin: germline. Affected: no.

NM_198253.3(TERT):c.1968G>A (p.Ser656=)

Gene: TERT (telomerase reverse transcriptase; minus strand). Cytogenetic location: 5p15.33.
Variant type: single nucleotide variant.
Coding change: c.1968G>A on transcript NM_198253.3 (MANE Select); coding-DNA position 1968, G replaced by A.
Protein change: p.Ser656=; no amino-acid change (serine 656 retained).
Molecular consequence: synonymous variant. On other transcripts: non-coding transcript variant (2).
Genome position (GRCh38, 1-based): chr5:1,279,453, C>T on the plus strand (G>A on the coding strand, the complement: TERT is on the minus strand). VCF-style: chr5-1279453-C-T. GRCh37 (hg19) VCF-style: chr5-1279568-C-T.
Other names: c.1968G>A, p.Ser656= (NM_001193376.3).
Identifiers: ClinVar variation 416275 (VCV000416275.25), dbSNP rs368784316, ClinGen allele CA3184697.
Genomic context (GRCh38, chr5:1,279,453, plus strand): 5'-CAGGAGGCCGGGGCGCCGCGCCCGCTCGTAGTTGAGCACGCTGAACAGTGCCTTCACCCT[C>T]GAGGTGAGACGCTCGGCCTGGCGGGGACAGCATGGGAGACAGTCAGGAAAGTGGATCCGG-3'
Protein context (NP_937983.2, residues 646-666): RREKRAERLT[Ser656=]RVKALFSVLN